The following is an entry in ClinVar:

ClinVar aggregate classification (germline): Uncertain significance. Review status: criteria provided, multiple submitters, no conflicts (2 of 4 stars). 3 submissions from 3 submitters: Uncertain significance (3). Last evaluated 2021-11-07.

Conditions:
Deficiency of butyryl-CoA dehydrogenase (ACADSD). Also called: SCAD Deficiency; SCADH DEFICIENCY; SCAD DEFICIENCY, MILD; ACYL-CoA DEHYDROGENASE, SHORT-CHAIN, DEFICIENCY OF; ACADS DEFICIENCY; Short-Chain Acyl-CoA Dehydrogenase Deficiency. Identifiers: Orphanet 26792, MedGen C0342783, MONDO:0008722, OMIM 201470. Disease mechanism: May be benign.

Allele frequency attached by ClinVar (database versions not stated): gnomAD 0.00001; gnomAD exomes 0.00001; TOPMed 0.00003; ESP Exome Variant Server 0.00008.
gnomAD v4.1: 15 of 1,614,076 alleles (0.00093%); highest among the groups gnomAD compares: African/African-American, 0.0013%; no homozygotes.

Submissions (3):

Genome-Nilou Lab
Classification: Uncertain significance for Deficiency of butyryl-CoA dehydrogenase. Last evaluated: 2021-11-07. Review status: criteria provided, single submitter. Criteria: ACMG Guidelines, 2015. Collection method: clinical testing. Allele origin: germline. Affected: no.

Labcorp Genetics (formerly Invitae), Labcorp
Classification: Uncertain significance for Deficiency of butyryl-CoA dehydrogenase. Last evaluated: 2020-07-13. Review status: criteria provided, single submitter. Criteria: Invitae Variant Classification Sherloc (09022015). Collection method: clinical testing. Allele origin: germline.
Comment: In summary, the available evidence is currently insufficient to determine the role of this variant in disease. Therefore, it has been classified as a Variant of Uncertain Significance. Algorithms developed to predict the effect of missense changes on protein structure and function (SIFT, PolyPhen-2, Align-GVGD) all suggest that this variant is likely to be disruptive, but these predictions have not been confirmed by published functional studies and their clinical significance is uncertain. This variant has been reported in an individual affected with short-chain acyl-CoA dehydrogenase deficiency (SCADD) (PMID: 22424739). ClinVar contains an entry for this variant (Variation ID: 420094). This variant is not present in population databases (ExAC no frequency). This sequence change replaces proline with arginine at codon 142 of the ACADS protein (p.Pro142Arg). The proline residue is highly conserved and there is a moderate physicochemical difference between proline and arginine.

GeneDx
Classification: Uncertain significance. Last evaluated: 2017-02-10. Review status: criteria provided, single submitter. Criteria: GeneDx Variant Classification (06012015). Collection method: clinical testing. Allele origin: germline. Affected: yes.
Comment: The P142R variant has been reported in one patient with short chain acyl-CoA dehydrogenase (SCAD) deficiency. This patient was also found to harbor the c.366_367delCT variant and the c.625 G>A variant. The phase of these three variants is unknown (Gallant et al., 2012). The P142R variant was not observed in approximately 6500 individuals of European and African American ancestry in the NHLBI Exome Sequencing Project, indicating it is not a common benign variant in these populations. The P142R variant occurs at a position that is conserved across species, and in silico analysis predicts this variant is probably damaging to the protein structure/function. In summary, we interpret P142R to be a variant of uncertain significance.

Literature cited by the submitters: PubMed 22424739 (cited by Labcorp Genetics (formerly Invitae), Labcorp).

NM_000017.4(ACADS):c.425C>G (p.Pro142Arg)

Gene: ACADS (acyl-CoA dehydrogenase short chain; plus strand). Cytogenetic location: 12q24.31.
Variant type: single nucleotide variant.
Coding change: c.425C>G on transcript NM_000017.4 (MANE Select); coding-DNA position 425, C replaced by G.
Protein change: p.Pro142Arg; replaces proline 142 with arginine.
Molecular consequence: missense variant.
Genome position (GRCh38, 1-based): chr12:120,737,420, C>G. VCF-style: chr12-120737420-C-G. GRCh37 (hg19) VCF-style: chr12-121175223-C-G.
Other names: c.425C>G, p.Pro142Arg (NM_001302554.2); short protein forms P142R.
Identifiers: ClinVar variation 420094 (VCV000420094.11), dbSNP rs148297461, ClinGen allele CA16619449.
Genomic context (GRCh38, chr12:120,737,420, plus strand): 5'-TCTACCTGGGGCCCATCTTGAAGTTTGGCTCCAAGGAGCAGAAGCAGGCGTGGGTCACGC[C>G]TTTCACCAGTGGTGACAAAATTGGCTGCTTTGCCCTCAGCGAACCAGGTACCTGCCCTGT-3'
Protein context (NP_000008.1, residues 132-152): SKEQKQAWVT[Pro142Arg]FTSGDKIGCF